The following is an entry in ClinVar:

NM_000069.3(CACNA1S):c.4573G>A (p.Ala1525Thr)

Gene: CACNA1S (calcium voltage-gated channel subunit alpha1 S; minus strand). Cytogenetic location: 1q32.1.
Variant type: single nucleotide variant.
Coding change: c.4573G>A on transcript NM_000069.3 (MANE Select); coding-DNA position 4573, G replaced by A.
Protein change: p.Ala1525Thr; replaces alanine 1525 with threonine.
Molecular consequence: missense variant.
Genome position (GRCh38, 1-based): chr1:201,047,210, C>T on the plus strand (G>A on the coding strand, the complement: CACNA1S is on the minus strand). VCF-style: chr1-201047210-C-T. GRCh37 (hg19) VCF-style: chr1-201016338-C-T.
Other names: short protein forms A1525T.
Identifiers: ClinVar variation 656936 (VCV000656936.8), dbSNP rs760097708, ClinGen allele CA083453.

ClinVar aggregate classification (germline): Uncertain significance. Review status: criteria provided, multiple submitters, no conflicts (2 of 4 stars). 2 submissions from 2 submitters: Uncertain significance (2). Last evaluated 2025-12-08.

Conditions:
Malignant hyperthermia, susceptibility to, 5 (MHS5). Also called: CACNA1S-Related Malignant Hyperthermia Susceptibility. Identifiers: Orphanet 423, MedGen C1866077, MONDO:0011163, OMIM 601887.
Hypokalemic periodic paralysis, type 1. Also called: HypoPP; Hypokalemic Periodic Paralysis Type 1 (AD). Identifiers: Orphanet 681, MedGen C3714580, MONDO:0042979, OMIM 170400.
Thyrotoxic periodic paralysis, susceptibility to, 1 (TTPP1). Identifiers: Orphanet 79102, MedGen C2749982, MONDO:0008570, OMIM 188580.
Congenital myopathy 18. Also called: DIHYDROPYRIDINE RECEPTOR CONGENITAL MYOPATHY; DHPR CONGENITAL MYOPATHY; Myopathy, congenital, due to dihydropyridine receptor defect. Identifiers: MedGen C5830283, MONDO:0859514, OMIM 620246.

Allele frequency attached by ClinVar (database versions not stated): gnomAD exomes below 0.00001; ExAC 0.00001.
gnomAD v4.1: 17 of 1,614,130 alleles (0.0011%); highest among the groups gnomAD compares: Non-Finnish European, 0.0014%; no homozygotes.

Submissions (2):

Labcorp Genetics (formerly Invitae), Labcorp
Classification: Uncertain significance for Hypokalemic periodic paralysis, type 1; Malignant hyperthermia, susceptibility to, 5. Last evaluated: 2025-12-08. Review status: criteria provided, single submitter. Criteria: Invitae Variant Classification Sherloc (09022015). Collection method: clinical testing. Allele origin: germline.
Comment: This sequence change replaces alanine, which is neutral and non-polar, with threonine, which is neutral and polar, at codon 1525 of the CACNA1S protein (p.Ala1525Thr). This variant is present in population databases (rs760097708, gnomAD 0.0009%). This variant has not been reported in the literature in individuals affected with CACNA1S-related conditions. ClinVar contains an entry for this variant (Variation ID: 656936). Invitae Evidence Modeling of protein sequence and biophysical properties (such as structural, functional, and spatial information, amino acid conservation, physicochemical variation, residue mobility, and thermodynamic stability) indicates that this missense variant is not expected to disrupt CACNA1S protein function with a negative predictive value of 95%. In summary, the available evidence is currently insufficient to determine the role of this variant in disease. Therefore, it has been classified as a Variant of Uncertain Significance.

Fulgent Genetics
Classification: Uncertain significance for Hypokalemic periodic paralysis, type 1; Thyrotoxic periodic paralysis, susceptibility to, 1; Malignant hyperthermia, susceptibility to, 5; Congenital myopathy 18. Last evaluated: 2024-05-30. Review status: criteria provided, single submitter. Criteria: ACMG Guidelines, 2015. Collection method: clinical testing. Allele origin: germline.